The following is an entry in ClinVar:

ClinVar aggregate classification (germline): Uncertain significance (1 of 4 stars; one submission).

Conditions:
Emery-Dreifuss muscular dystrophy 5, autosomal dominant (EDMD5). Also called: EMERY-DREIFUSS MUSCULAR DYSTROPHY 5. Identifiers: Orphanet 261, MedGen C2751805, MONDO:0013072, OMIM 612999.

gnomAD v4.1: 2 of 1,614,082 alleles (0.00012%); highest among the groups gnomAD compares: Non-Finnish European, 0.00017%; no homozygotes.

Submission:

Labcorp Genetics (formerly Invitae), Labcorp
Classification: Uncertain significance for Emery-Dreifuss muscular dystrophy 5, autosomal dominant. Last evaluated: 2022-06-15. Review status: criteria provided, single submitter. Criteria: Invitae Variant Classification Sherloc (09022015). Collection method: clinical testing. Allele origin: germline.
Comment: In summary, the available evidence is currently insufficient to determine the role of this variant in disease. Therefore, it has been classified as a Variant of Uncertain Significance. Algorithms developed to predict the effect of missense changes on protein structure and function are either unavailable or do not agree on the potential impact of this missense change (SIFT: "Deleterious"; PolyPhen-2: "Probably Damaging"; Align-GVGD: "Class C0"). This variant has not been reported in the literature in individuals affected with SYNE2-related conditions. This variant is present in population databases (no rsID available, gnomAD 0.002%). This sequence change replaces serine, which is neutral and polar, with phenylalanine, which is neutral and non-polar, at codon 1766 of the SYNE2 protein (p.Ser1766Phe).

NM_182914.3(SYNE2):c.5297C>T (p.Ser1766Phe)

Gene: SYNE2 (spectrin repeat containing nuclear envelope protein 2; plus strand). Cytogenetic location: 14q23.2.
Variant type: single nucleotide variant.
Coding change: c.5297C>T on transcript NM_182914.3 (MANE Select); coding-DNA position 5297, C replaced by T.
Protein change: p.Ser1766Phe; replaces serine 1766 with phenylalanine.
Molecular consequence: missense variant.
Genome position (GRCh38, 1-based): chr14:64,021,460, C>T. VCF-style: chr14-64021460-C-T. GRCh37 (hg19) VCF-style: chr14-64488178-C-T.
Other names: c.5297C>T, p.Ser1766Phe (NM_015180.6); short protein forms S1766F.
Identifiers: ClinVar variation 2072023 (VCV002072023.4), dbSNP rs1361087042, ClinGen allele CA389941080.